The following is an entry in ClinVar:

NM_001031710.3(KLHL7):c.1060T>C (p.Cys354Arg)

Gene: KLHL7 (kelch like family member 7; plus strand). Cytogenetic location: 7p15.3.
Variant type: single nucleotide variant.
Coding change: c.1060T>C on transcript NM_001031710.3 (MANE Select); coding-DNA position 1060, T replaced by C.
Protein change: p.Cys354Arg; replaces cysteine 354 with arginine.
Molecular consequence: missense variant. On other transcripts: non-coding transcript variant (1).
Genome position (GRCh38, 1-based): chr7:23,165,821, T>C. VCF-style: chr7-23165821-T-C. GRCh37 (hg19) VCF-style: chr7-23205440-T-C.
Other names: c.916T>C, p.Cys306Arg (NM_018846.5); short protein forms C354R, C306R.
Identifiers: ClinVar variation 2769140 (VCV002769140.3), dbSNP rs1459773598, ClinGen allele CA366981374.

ClinVar aggregate classification (germline): Uncertain significance (1 of 4 stars; one submission).

Allele frequency attached by ClinVar (database versions not stated): gnomAD exomes below 0.00001.
gnomAD v4.1: 1 of 1,614,198 alleles (0.000062%); highest among the groups gnomAD compares: Admixed American, 0.0017%; no homozygotes.

Submission:

Labcorp Genetics (formerly Invitae), Labcorp
Classification: Uncertain significance. Last evaluated: 2023-10-23. Review status: criteria provided, single submitter. Criteria: Invitae Variant Classification Sherloc (09022015). Collection method: clinical testing. Allele origin: germline.
Comment: This sequence change replaces cysteine, which is neutral and slightly polar, with arginine, which is basic and polar, at codon 354 of the KLHL7 protein (p.Cys354Arg). This variant is present in population databases (no rsID available, gnomAD 0.003%). This variant has not been reported in the literature in individuals affected with KLHL7-related conditions. An algorithm developed to predict the effect of missense changes on protein structure and function (PolyPhen-2) suggests that this variant is likely to be disruptive. In summary, the available evidence is currently insufficient to determine the role of this variant in disease. Therefore, it has been classified as a Variant of Uncertain Significance.